The following is an entry in ClinVar:

ClinVar aggregate classification (germline): Pathogenic (1 of 4 stars; one submission).

Conditions:
Dilated cardiomyopathy 1HH (CMD1HH). Identifiers: Orphanet 154, MedGen C3151293, MONDO:0013479, OMIM 613881.
Myofibrillar myopathy 6. Identifiers: Orphanet 199340, MedGen C2751831, MONDO:0013061, OMIM 612954.

Submission:

Labcorp Genetics (formerly Invitae), Labcorp
Classification: Pathogenic for Dilated cardiomyopathy 1HH; Myofibrillar myopathy, BAG3-related. Last evaluated: 2019-06-10. Review status: criteria provided, single submitter. Criteria: Invitae Variant Classification Sherloc (09022015). Collection method: clinical testing. Allele origin: germline.
Comment: This variant is a gross deletion of the genomic region encompassing exon 4 of the BAG3 gene. The 5' boundary is likely confined to intron 3. The 3' end of this event is unknown as it extends through the termination codon beyond the assayed region for this gene and may encompass additional genes. While this deletion is not anticipated to result in nonsense mediated decay, it is expected to create a truncated protein product or disrupt mRNA translation. A similar deletion of exon 4 has been observed to segregate with dilated cardiomyopathy in a family (PMID: 21353195). This variant disrupts the p.Glu455 amino acid residue in BAG3. Other variant(s) that disrupt this residue have been observed in affected individuals (PMID: 21459883, 25008357), suggesting that it is a clinically significant residue. As a result, variants that disrupt this residue are likely to be causative of disease. For these reasons, this variant has been classified as Pathogenic.

Literature cited by the submitters: PubMed 21353195; PubMed 21459883; PubMed 25008357.

NC_000010.11:g.(?_119676454)_(119677500_?)del

Gene: BAG3 (BAG cochaperone 3; plus strand). Cytogenetic location: 10q26.11.
Variant type: Deletion.
Identifiers: ClinVar variation 645351 (VCV000645351.2).